The following is an entry in ClinVar:

ClinVar aggregate classification (germline): Uncertain significance (1 of 4 stars; one submission).

Submission:

Greenwood Genetic Center Diagnostic Laboratories, Greenwood Genetic Center
Classification: Uncertain significance. Last evaluated: 2024-09-16. Review status: criteria provided, single submitter. Criteria: ACMG Guidelines, 2015. Collection method: clinical testing. Allele origin: germline. Affected: yes.
Comment: PM2

NM_005862.3(STAG1):c.25T>C (p.Leu9=)

Gene: STAG1 (STAG1 cohesin complex component; minus strand). Cytogenetic location: 3q22.3.
Variant type: single nucleotide variant.
Coding change: c.25T>C on transcript NM_005862.3 (MANE Select); coding-DNA position 25, T replaced by C.
Protein change: p.Leu9=; no amino-acid change (leucine 9 retained).
Molecular consequence: synonymous variant.
Genome position (GRCh38, 1-based): chr3:136,630,874, A>G on the plus strand (T>C on the coding strand, the complement: STAG1 is on the minus strand). VCF-style: chr3-136630874-A-G. GRCh37 (hg19) VCF-style: chr3-136349716-A-G.
Identifiers: ClinVar variation 3765647 (VCV003765647.1).